The following is an entry in ClinVar:

NM_020987.5(ANK3):c.11913TACCACCAC[1] (p.Thr3976_Thr3978del)

Gene: ANK3 (ankyrin 3; minus strand). Cytogenetic location: 10q21.2.
Variant type: Microsatellite.
Coding change: c.11913TACCACCAC[1] on transcript NM_020987.5 (MANE Select); one copy of the 9-base unit TACCACCAC starting at c.11913; the reference has two copies in a row; one copy, 9 bases deleted.
Protein change: p.Thr3976_Thr3978del.
Molecular consequence: inframe deletion. On other transcripts: intron variant (4).
Genome position (GRCh38, 1-based): chr10:60,068,951-60,068,959, GTGGTGGTA deleted on the plus strand (TACCACCAC on the coding strand, the reverse complement: ANK3 is on the minus strand); deleting any 9 consecutive bases within chr10:60,068,951-60,068,976 gives the same sequence; the position shown is the placement nearest the transcript's 3' end. VCF-style (leftmost placement, unchanged base first): chr10-60068950-GGTGGTGGTA-G. GRCh37 (hg19) VCF-style: chr10-61828708-GGTGGTGGTA-G.
Other names: c.4388-950_4388-942del (NM_001204403.2); c.4409-950_4409-942del (NM_001204404.2); c.4406-950_4406-942del (NM_001320874.2); c.1808-950_1808-942del (NM_001149.4).
Identifiers: ClinVar variation 2892722 (VCV002892722.3), dbSNP rs750584727, ClinGen allele CA5511002.

ClinVar aggregate classification (germline): Uncertain significance (1 of 4 stars; one submission).

Submission:

Labcorp Genetics (formerly Invitae), Labcorp
Classification: Uncertain significance. Last evaluated: 2023-09-29. Review status: criteria provided, single submitter. Criteria: Invitae Variant Classification Sherloc (09022015). Collection method: clinical testing. Allele origin: germline.
Comment: This variant, c.11922_11930del, results in the deletion of 3 amino acid(s) of the ANK3 protein (p.Thr3976_Thr3978del), but otherwise preserves the integrity of the reading frame. The frequency data for this variant in the population databases is considered unreliable, as metrics indicate poor data quality at this position in the gnomAD database. In summary, the available evidence is currently insufficient to determine the role of this variant in disease. Therefore, it has been classified as a Variant of Uncertain Significance. Experimental studies and prediction algorithms are not available or were not evaluated, and the functional significance of this variant is currently unknown. This variant has not been reported in the literature in individuals affected with ANK3-related conditions.